The following is an entry in ClinVar:

ClinVar aggregate classification (germline): Uncertain significance (1 of 4 stars; one submission).

gnomAD v4.1: 1 of 1,614,058 alleles (0.000062%); highest among the groups gnomAD compares: Non-Finnish European, 0.000085%; no homozygotes.

Submission:

Women's Health and Genetics/Laboratory Corporation of America, LabCorp
Classification: Uncertain significance. Last evaluated: 2024-11-26. Review status: criteria provided, single submitter. Criteria: LabCorp Variant Classification Summary - May 2015. Collection method: clinical testing. Allele origin: germline.
Comment: Variant summary: HIVEP2 c.1081G>C (p.Asp361His) results in a non-conservative amino acid change in the encoded protein sequence. Four of five in-silico tools predict a damaging effect of the variant on protein function. The variant allele was found at a frequency of 4e-06 in 249538 control chromosomes. The available data on variant occurrences in the general population are insufficient to allow any conclusion about variant significance. To our knowledge, no occurrence of c.1081G>C in individuals affected with Intellectual Disability, Autosomal Dominant 43 and no experimental evidence demonstrating its impact on protein function have been reported. No submitters have cited clinical-significance assessments for this variant to ClinVar. Based on the evidence outlined above, the variant was classified as uncertain significance.

NM_006734.4(HIVEP2):c.1081G>C (p.Asp361His)

Gene: HIVEP2 (HIVEP zinc finger 2; minus strand). Cytogenetic location: 6q24.2.
Variant type: single nucleotide variant.
Coding change: c.1081G>C on transcript NM_006734.4 (MANE Select); coding-DNA position 1081, G replaced by C.
Protein change: p.Asp361His; replaces aspartic acid 361 with histidine.
Molecular consequence: missense variant.
Genome position (GRCh38, 1-based): chr6:142,773,658, C>G on the plus strand (G>C on the coding strand, the complement: HIVEP2 is on the minus strand). VCF-style: chr6-142773658-C-G. GRCh37 (hg19) VCF-style: chr6-143094795-C-G.
Other names: short protein forms D361H.
Identifiers: ClinVar variation 3629559 (VCV003629559.2).
Genomic context (GRCh38, chr6:142,773,658, plus strand): 5'-AATCTTGTCCTTTTTTCTCTGACAGTCTTAGTGCAAGTTTCTGTTTGACTGTGTGCGAAT[C>G]ATCAGCCTTAGTATTTAAAGATGGATTTGGTAGCATATCAGGGCCAATATACTGAGAGCT-3'
Protein context (NP_006725.3, residues 351-371): PNPSLNTKAD[Asp361His]SHTVKQKLAL